The following is an entry in ClinVar:

ClinVar aggregate classification (germline): Uncertain significance (1 of 4 stars; one submission).

Conditions:
Hereditary cancer-predisposing syndrome. Also called: Neoplastic Syndromes, Hereditary; Tumor predisposition; Hereditary Cancer Syndrome; Hereditary neoplastic syndrome. Identifiers: Orphanet 140162, MedGen C0027672, MeSH D009386, MONDO:0015356.

Submission:

Ambry Genetics
Classification: Uncertain significance for Hereditary cancer-predisposing syndrome. Last evaluated: 2022-03-31. Review status: criteria provided, single submitter. Criteria: Ambry Variant Classification Scheme 2023. Collection method: clinical testing. Allele origin: germline.
Comment: The p.R355S variant (also known as c.1065A>C) is located in coding exon 9 of the SDHA gene. The arginine at codon 355 is replaced by serine, an amino acid with dissimilar properties. This change occurs in the first base pair of coding exon 9. This amino acid position is conserved. In addition, this alteration is predicted to be deleterious by in silico analysis. Since supporting evidence is limited at this time, the clinical significance of this alteration remains unclear.

NM_004168.4(SDHA):c.1065A>C (p.Arg355Ser)

Gene: SDHA (succinate dehydrogenase complex flavoprotein subunit A; plus strand). Cytogenetic location: 5p15.33.
Variant type: single nucleotide variant.
Coding change: c.1065A>C on transcript NM_004168.4 (MANE Select); coding-DNA position 1065, A replaced by C.
Protein change: p.Arg355Ser; replaces arginine 355 with serine.
Molecular consequence: missense variant.
Genome position (GRCh38, 1-based): chr5:235,144, A>C. VCF-style: chr5-235144-A-C. GRCh37 (hg19) VCF-style: chr5-235259-A-C.
Other names: c.921A>C, p.Arg307Ser (NM_001294332.2); c.1065A>C, p.Arg355Ser (NM_001330758.2); short protein forms R355S, R307S.
Identifiers: ClinVar variation 1781426 (VCV001781426.2), dbSNP rs2126584114, ClinGen allele CA359013376.